The following is an entry in ClinVar:

ClinVar aggregate classification (germline): Uncertain significance. Review status: criteria provided, multiple submitters, no conflicts (2 of 4 stars). 2 submissions from 2 submitters: Uncertain significance (2). Last evaluated 2025-08-13.

Conditions:
Inborn genetic diseases. Identifiers: MedGen C0950123, MeSH D030342.

Allele frequency attached by ClinVar (database versions not stated): gnomAD 0.00001; TOPMed below 0.00001.
gnomAD v4.1: 27 of 1,613,876 alleles (0.0017%); highest among the groups gnomAD compares: South Asian, 0.011%; no homozygotes.

Submissions (2):

GeneDx
Classification: Uncertain significance. Last evaluated: 2025-08-13. Review status: criteria provided, single submitter. Criteria: GeneDx Variant Classification Process June 2021. Collection method: clinical testing. Allele origin: germline. Affected: yes.
Comment: Not observed at significant frequency in large population cohorts (gnomAD); In silico analysis supports that this missense variant has a deleterious effect on protein structure/function; Has not been previously published as pathogenic or benign to our knowledge

Ambry Genetics
Classification: Uncertain significance for Inborn genetic diseases. Last evaluated: 2024-11-24. Review status: criteria provided, single submitter. Criteria: Ambry Variant Classification Scheme 2023. Collection method: clinical testing. Allele origin: germline.

NM_000426.4(LAMA2):c.8299G>A (p.Gly2767Arg)

Genes: LAMA2 (laminin subunit alpha 2; plus strand), LOC126859784 (CDK7 strongly-dependent group 2 enhancer GRCh37_chr6:129822854-129824053; plus strand). Cytogenetic location: 6q22.33.
Variant type: single nucleotide variant.
Coding change: c.8299G>A on transcript NM_000426.4 (MANE Select); coding-DNA position 8299, G replaced by A.
Protein change: p.Gly2767Arg; replaces glycine 2767 with arginine.
Molecular consequence: missense variant.
Genome position (GRCh38, 1-based): chr6:129,502,713, G>A. VCF-style: chr6-129502713-G-A. GRCh37 (hg19) VCF-style: chr6-129823858-G-A.
Other names: c.8287G>A, p.Gly2763Arg (NM_001079823.2); short protein forms G2763R, G2767R.
Identifiers: ClinVar variation 1304053 (VCV001304053.4), dbSNP rs779071476, ClinGen allele CA3994791.